The following is an entry in ClinVar:

NM_001367721.1(CASK):c.1137T>A (p.His379Gln)

Gene: CASK (calcium/calmodulin dependent serine protein kinase; minus strand). Cytogenetic location: Xp11.4.
Variant type: single nucleotide variant.
Coding change: c.1137T>A on transcript NM_001367721.1 (MANE Select); coding-DNA position 1137, T replaced by A.
Protein change: p.His379Gln; replaces histidine 379 with glutamine.
Molecular consequence: missense variant.
Genome position (GRCh38, 1-based): chrX:41,609,922, A>T on the plus strand (T>A on the coding strand, the complement: CASK is on the minus strand). VCF-style: chrX-41609922-A-T. GRCh37 (hg19) VCF-style: chrX-41469175-A-T.
Other names: c.1137T>A, p.His379Gln (NM_001126054.3, NM_003688.4); c.1119T>A, p.His373Gln (NM_001126055.3, NM_001410745.1); short protein forms H373Q, H379Q.
Identifiers: ClinVar variation 4796909 (VCV004796909.1).

ClinVar aggregate classification (germline): Uncertain significance (1 of 4 stars; one submission).

Conditions:
Intellectual disability, CASK-related, X-linked. Identifiers: MedGen CN043158.

gnomAD v4.1: 1 of 1,208,886 alleles (0.000083%); highest among the groups gnomAD compares: Non-Finnish European, 0.00011%; no homozygotes.

Submission:

Labcorp Genetics (formerly Invitae), Labcorp
Classification: Uncertain significance for Intellectual disability, CASK-related, X-linked. Last evaluated: 2025-08-29. Review status: criteria provided, single submitter. Criteria: Invitae Variant Classification Sherloc (09022015). Collection method: clinical testing. Allele origin: germline.
Comment: This sequence change replaces histidine, which is basic and polar, with glutamine, which is neutral and polar, at codon 379 of the CASK protein (p.His379Gln). This variant is present in population databases (no rsID available, gnomAD 0.001%). This variant has not been reported in the literature in individuals affected with CASK-related conditions. Invitae Evidence Modeling of protein sequence and biophysical properties (such as structural, functional, and spatial information, amino acid conservation, physicochemical variation, residue mobility, and thermodynamic stability) indicates that this missense variant is not expected to disrupt CASK protein function with a negative predictive value of 80%. In summary, the available evidence is currently insufficient to determine the role of this variant in disease. Therefore, it has been classified as a Variant of Uncertain Significance.